The following is an entry in ClinVar:

NM_015057.5(MYCBP2):c.1000A>G (p.Lys334Glu)

Gene: MYCBP2 (MYC binding protein 2; minus strand). Cytogenetic location: 13q22.3.
Variant type: single nucleotide variant.
Coding change: c.1000A>G on transcript NM_015057.5 (MANE Select); coding-DNA position 1000, A replaced by G.
Protein change: p.Lys334Glu; replaces lysine 334 with glutamic acid.
Molecular consequence: missense variant.
Genome position (GRCh38, 1-based): chr13:77,270,484, T>C on the plus strand (A>G on the coding strand, the complement: MYCBP2 is on the minus strand). VCF-style: chr13-77270484-T-C. GRCh37 (hg19) VCF-style: chr13-77844619-T-C.
Other names: short protein forms K334E.
Identifiers: ClinVar variation 2576819 (VCV002576819.1), dbSNP rs2549595632, ClinGen allele CA388414064.
Genomic context (GRCh38, chr13:77,270,484, plus strand): 5'-ACTTGTGCATTAAAGCTGCTTTCTTAATGCCATTACTAAACCAGTCCTGAATTTGAATTT[T>C]TCCCACCAAAACTGCTTGTACACTTCTCTGTAGCGAATTTAGAATTGTTGGCACCTAATC-3'
Protein context (NP_055872.4, residues 324-344): QRSVQAVLVG[Lys334Glu]IQIQDWFSNG

ClinVar aggregate classification (germline): Uncertain significance (1 of 4 stars; one submission).

Submission:

GeneDx
Classification: Uncertain significance. Last evaluated: 2023-02-15. Review status: criteria provided, single submitter. Criteria: GeneDx Variant Classification Process June 2021. Collection method: clinical testing. Allele origin: germline. Affected: yes.
Comment: Not observed at significant frequency in large population cohorts (gnomAD); In silico analysis supports that this missense variant does not alter protein structure/function; Has not been previously published as pathogenic or benign to our knowledge